The following is an entry in ClinVar:

ClinVar aggregate classification (germline): Likely benign. Review status: criteria provided, multiple submitters, no conflicts (2 of 4 stars). 3 submissions from 3 submitters: Likely benign (3). Last evaluated 2026-07-01.

Allele frequency attached by ClinVar (database versions not stated): 1000 Genomes Project 30x 0.00265; 1000 Genomes Project 0.00280; gnomAD exomes 0.00513; TOPMed 0.00513; gnomAD 0.00526; ExAC 0.00542; ESP Exome Variant Server 0.00547.
gnomAD v4.1: 9,428 of 1,613,694 alleles (0.58%); highest among the groups gnomAD compares: Middle Eastern, 1.2%; 44 homozygotes.

Submissions (3):

CeGaT Center for Human Genetics Tuebingen
Classification: Likely benign. Last evaluated: 2026-07-01. Review status: criteria provided, single submitter. Criteria: CeGaT Center For Human Genetics Tuebingen Variant Classification Criteria Version 2. Collection method: clinical testing. Allele origin: germline. Affected: yes. Observed: 1 variant allele.
Comment: CLEC16A: BS2

Labcorp Genetics (formerly Invitae), Labcorp
Classification: Likely benign. Last evaluated: 2018-07-29. Review status: criteria provided, single submitter. Criteria: Invitae Variant Classification Sherloc (09022015). Collection method: clinical testing. Allele origin: germline.

Breakthrough Genomics
Classification: Likely benign. Review status: criteria provided, single submitter. Criteria: ACMG Guidelines, 2015. Collection method: not provided. Allele origin: germline. Inheritance: Unknown mechanism. Affected: yes.

NM_015226.3(CLEC16A):c.2945G>A (p.Ser982Asn)

Gene: CLEC16A (C-type lectin domain containing 16A; plus strand). Cytogenetic location: 16p13.13.
Variant type: single nucleotide variant.
Coding change: c.2945G>A on transcript NM_015226.3 (MANE Select); coding-DNA position 2945, G replaced by A.
Protein change: p.Ser982Asn; replaces serine 982 with asparagine.
Molecular consequence: missense variant.
Genome position (GRCh38, 1-based): chr16:11,178,473, G>A. VCF-style: chr16-11178473-G-A. GRCh37 (hg19) VCF-style: chr16-11272330-G-A.
Other names: short protein forms S982N.
Identifiers: ClinVar variation 788712 (VCV000788712.5), dbSNP rs72650689, ClinGen allele CA7902103.
Genomic context (GRCh38, chr16:11,178,473, plus strand): 5'-CTAAGCCCAGCAAGAACGTGGCCAGGAGCGCAGCCGTGGAGACAGCCAGCCTGTCCCCCA[G>A]CCTCGTCCCTGCCCGGCAGCCCACCATTTCCCTGCTCTGCGAGGACACGGCTGACACGCT-3'
Protein context (NP_056041.1, residues 972-992): AAVETASLSP[Ser982Asn]LVPARQPTIS